The following is an entry in ClinVar:

ClinVar aggregate classification (germline): Pathogenic (1 of 4 stars; one submission).

Conditions:
Weiss-Kruszka syndrome. Also called: Metopic ridging-ptosis-facial dysmorphism syndrome. Identifiers: Orphanet 502430, MedGen C5568107, MONDO:0032836, OMIM 618619.

Submission:

MGZ Medical Genetics Center
Classification: Pathogenic for Weiss-Kruszka syndrome. Last evaluated: 2021-12-13. Review status: criteria provided, single submitter. Criteria: ACMG Guidelines, 2015. Collection method: clinical testing. Allele origin: germline. Affected: yes. Observed: 1 variant allele.
Comment: ACMG criteria applied: PVS1, PS2_MOD, PM2_SUP

NM_021224.6(ZNF462):c.4825dup (p.Ser1609fs)

Gene: ZNF462 (zinc finger protein 462; plus strand). Cytogenetic location: 9q31.2.
Variant type: Duplication.
Coding change: c.4825dup on transcript NM_021224.6 (MANE Select); coding-DNA position 4825, one base duplicated (T; older notation c.4825dupT).
Protein change: p.Ser1609fs; shifts the reading frame from serine 1609.
Molecular consequence: frameshift variant. On other transcripts: intron variant (1).
Genome position (GRCh38, 1-based): chr9:106,928,737, T duplicated; the last of 4 consecutive T bases (chr9:106,928,734-106,928,737); duplicating any one gives the same sequence. VCF-style (leftmost placement, unchanged base first): chr9-106928733-C-CT. GRCh37 (hg19) VCF-style: chr9-109691014-C-CT.
Other names: c.3252+1573dup (NM_001347997.2); short protein forms S1609fs.
Identifiers: ClinVar variation 1709341 (VCV001709341.2), dbSNP rs2538803152, ClinGen allele CA2580079345.